The following is an entry in ClinVar:

ClinVar aggregate classification (germline): Conflicting classifications of pathogenicity. Review status: criteria provided, conflicting classifications (1 of 4 stars). 4 submissions from 4 submitters: Uncertain significance (3); Likely benign (1). Last evaluated 2025-10-03.

Conditions:
Pseudohypoaldosteronism type 2B (PHA2B). Also called: Pseudohypoaldosteronism Type IIB. Identifiers: Orphanet 757, Orphanet 88939, MedGen C1840390, MONDO:0013777, OMIM 614491.

Allele frequency attached by ClinVar (database versions not stated): ESP Exome Variant Server 0.00016; gnomAD exomes 0.00020 and 0.00037; ExAC 0.00021; TOPMed 0.00022; gnomAD 0.00027 and 0.00028.

Submissions (4):

Rare Kidney Stone Consortium and the Mayo Clinic Hyperoxaluria Center, Mayo Clinic
Classification: Uncertain significance for Pseudohypoaldosteronism type 2B. Last evaluated: 2025-10-03. Review status: criteria provided, single submitter. Criteria: ACMG Guidelines, 2015. Collection method: research. Allele origin: germline. Observed: 1 variant allele.
Comment: ACMG:PVS1, PM2, BP6, BS2

Labcorp Genetics (formerly Invitae), Labcorp
Classification: Uncertain significance. Last evaluated: 2024-11-20. Review status: criteria provided, single submitter. Criteria: Invitae Variant Classification Sherloc (09022015). Collection method: clinical testing. Allele origin: germline.
Comment: This sequence change creates a premature translational stop signal (p.Ala601Profs*60) in the WNK4 gene. It is expected to result in an absent or disrupted protein product. However, the current clinical and genetic evidence is not sufficient to establish whether loss-of-function variants in WNK4 cause disease. This variant is present in population databases (rs61755595, gnomAD 0.04%), and has an allele count higher than expected for a pathogenic variant. This variant has not been reported in the literature in individuals affected with WNK4-related conditions. ClinVar contains an entry for this variant (Variation ID: 1698524). In summary, the available evidence is currently insufficient to determine the role of this variant in disease. Therefore, it has been classified as a Variant of Uncertain Significance.

Women's Health and Genetics/Laboratory Corporation of America, LabCorp
Classification: Uncertain significance. Last evaluated: 2024-11-13. Review status: criteria provided, single submitter. Criteria: LabCorp Variant Classification Summary - May 2015. Collection method: clinical testing. Allele origin: germline.
Comment: Variant summary: WNK4 c.1800delT (p.Ala601ProfsX60) results in a premature termination codon, predicted to cause a truncation of the encoded protein or absence of the protein due to nonsense mediated decay, however current evidence is not sufficient to establish loss of function as a mechanism for disease. The variant allele was found at a frequency of 0.0002 in 247528 control chromosomes. This frequency is not significantly higher than estimated for a pathogenic variant in WNK4 causing Pseudohypoaldosteronism Type 2B, allowing no conclusion about variant significance. To our knowledge, no occurrence of c.1800delT in individuals affected with Pseudohypoaldosteronism Type 2B and no experimental evidence demonstrating its impact on protein function have been reported. ClinVar contains an entry for this variant (Variation ID: 1698524). Based on the evidence outlined above, the variant was classified as uncertain significance.

Fulgent Genetics
Classification: Likely benign for Pseudohypoaldosteronism type 2B. Last evaluated: 2024-06-17. Review status: criteria provided, single submitter. Criteria: ACMG Guidelines, 2015. Collection method: clinical testing. Allele origin: germline.

Literature cited by the submitters: PubMed 40794449 (cited by Rare Kidney Stone Consortium and the Mayo Clinic Hyperoxaluria Center, Mayo Clinic).

NM_032387.5(WNK4):c.1800del (p.Ala601fs)

Gene: WNK4 (WNK lysine deficient protein kinase 4; plus strand). Cytogenetic location: 17q21.2.
Variant type: Deletion.
Coding change: c.1800del on transcript NM_032387.5 (MANE Select); coding-DNA position 1800, one base deleted (T; older notation c.1800delT).
Protein change: p.Ala601fs; shifts the reading frame from alanine 601.
Molecular consequence: frameshift variant.
Genome position (GRCh38, 1-based): chr17:42,787,836, T deleted. VCF-style (leftmost placement, unchanged base first): chr17-42787835-CT-C. GRCh37 (hg19) VCF-style: chr17-40939853-CT-C.
Other names: c.1800delT (NM_032387.5); c.792del, p.Ala265fs (NM_001321299.2); short protein forms A265fs, A601fs.
Identifiers: ClinVar variation 1698524 (VCV001698524.7), dbSNP rs61755595, ClinGen allele CA8584095.